The following is an entry in ClinVar:

ClinVar aggregate classification (germline): Conflicting classifications of pathogenicity. Review status: criteria provided, conflicting classifications (1 of 4 stars). 8 submissions from 8 submitters: Uncertain significance (7); Likely benign (1). Last evaluated 2026-01-25.

Conditions:
Spastic paraplegia. Identifiers: MedGen C0037772, HP:0001258.
Hereditary spastic paraplegia. Also called: Familial spastic paraparesis. Identifiers: Orphanet 685, MedGen C0037773, MONDO:0019064. Disease mechanism: loss of function.
Inborn genetic diseases. Identifiers: MedGen C0950123, MeSH D030342.
Charlevoix-Saguenay spastic ataxia (SACS). Also called: SPASTIC ATAXIA 6, AUTOSOMAL RECESSIVE; AUTOSOMAL RECESSIVE SPASTIC ATAXIA OF CHARLEVOIX-SAGUENAY; Spastic ataxia of Charlevoix-Saguenay. Identifiers: Orphanet 98, MedGen C1849140, MONDO:0010041, OMIM 270550.

Allele frequency attached by ClinVar (database versions not stated): gnomAD exomes 0.00009; ExAC 0.00013; TOPMed 0.00038; gnomAD 0.00039 and 0.00040; ESP Exome Variant Server 0.00046; 1000 Genomes Project 30x 0.00078; 1000 Genomes Project 0.00080.
gnomAD v4.1: 123 of 1,613,676 alleles (0.0076%); highest among the groups gnomAD compares: African/African-American, 0.14%; no homozygotes.

Submissions (8):

Labcorp Genetics (formerly Invitae), Labcorp
Classification: Likely benign for Spastic paraplegia. Last evaluated: 2026-01-25. Review status: criteria provided, single submitter. Criteria: Invitae Variant Classification Sherloc (09022015). Collection method: clinical testing. Allele origin: germline.

Women's Health and Genetics/Laboratory Corporation of America, LabCorp
Classification: Uncertain significance. Last evaluated: 2025-12-23. Review status: criteria provided, single submitter. Criteria: LabCorp Variant Classification Summary - May 2015. Collection method: clinical testing. Allele origin: germline.
Comment: Variant summary: SACS c.2602A>G (p.Ile868Val) results in a conservative amino acid change in the encoded protein sequence. Algorithms developed to predict the effect of missense changes on protein structure and function all suggest that this variant is likely to be tolerated. The variant allele was found at a frequency of 9.2e-05 in 250498 control chromosomes (gnomAD). This frequency is not significantly higher than estimated for disease-causing variants in SACS, allowing no conclusion about variant significance. To our knowledge, no occurrence of c.2602A>G in individuals affected with SACS-related conditions and no experimental evidence demonstrating its impact on protein function have been reported. ClinVar contains an entry for this variant (Variation ID: 448198). Based on the evidence outlined above, the variant was classified as uncertain significance.

Ambry Genetics
Classification: Uncertain significance for Inborn genetic diseases. Last evaluated: 2022-02-09. Review status: criteria provided, single submitter. Criteria: Ambry Variant Classification Scheme 2023. Collection method: clinical testing. Allele origin: germline.

Genome-Nilou Lab
Classification: Uncertain significance for Charlevoix-Saguenay spastic ataxia. Last evaluated: 2021-09-05. Review status: criteria provided, single submitter. Criteria: ACMG Guidelines, 2015. Collection method: clinical testing. Allele origin: germline. Affected: no.

GeneDx
Classification: Uncertain significance. Last evaluated: 2019-06-28. Review status: criteria provided, single submitter. Criteria: GeneDx Variant Classification Process June 2021. Collection method: clinical testing. Allele origin: germline. Affected: yes.
Comment: In silico analysis, which includes protein predictors and evolutionary conservation, supports that this variant does not alter protein structure/function; Has not been previously published as pathogenic or benign to our knowledge

Athena Diagnostics
Classification: Uncertain significance. Last evaluated: 2018-07-23. Review status: criteria provided, single submitter. Criteria: Athena Diagnostics Criteria. Collection method: clinical testing. Allele origin: germline.

Illumina Laboratory Services, Illumina
Classification: Uncertain significance for Charlevoix-Saguenay spastic ataxia. Last evaluated: 2018-01-13. Review status: criteria provided, single submitter. Criteria: ICSL Variant Classification Criteria 13 December 2019. Collection method: clinical testing. Allele origin: germline.

Genome Diagnostics Laboratory, The Hospital for Sick Children
Classification: Uncertain significance for Hereditary spastic paraplegia. Last evaluated: 2016-12-12. Review status: criteria provided, single submitter. Criteria: ACMG Guidelines, 2015. Collection method: clinical testing. Allele origin: germline. Affected: yes.

Literature cited by the submitters: PubMed 23280630 (cited by Ambry Genetics and Athena Diagnostics).

NM_014363.6(SACS):c.2602A>G (p.Ile868Val)

Gene: SACS (sacsin molecular chaperone; minus strand). Cytogenetic location: 13q12.12.
Variant type: single nucleotide variant.
Coding change: c.2602A>G on transcript NM_014363.6 (MANE Select); coding-DNA position 2602, A replaced by G.
Protein change: p.Ile868Val; replaces isoleucine 868 with valine.
Molecular consequence: missense variant.
Genome position (GRCh38, 1-based): chr13:23,341,274, T>C on the plus strand (A>G on the coding strand, the complement: SACS is on the minus strand). VCF-style: chr13-23341274-T-C. GRCh37 (hg19) VCF-style: chr13-23915413-T-C.
Other names: c.2161A>G, p.Ile721Val (NM_001278055.2); short protein forms I868V, I721V.
Identifiers: ClinVar variation 448198 (VCV000448198.24), dbSNP rs142284018, ClinGen allele CA6911659.